The following is an entry in ClinVar:

NC_012920.1(MT-ND1):m.4079A>G

Gene: MT-ND1 (mitochondrially encoded NADH dehydrogenase 1; plus strand).
Variant type: single nucleotide variant.
Genome position: chrM-4079-A-G.
Identifiers: ClinVar variation 692419 (VCV000692419.1), dbSNP rs1603219286, ClinGen allele CA414774140.

ClinVar aggregate classification (germline): Benign (1 of 4 stars; one submission).

Conditions:
Leigh syndrome (NULS). Also called: Leigh's necrotizing encephalopathy; Leigh's disease; Leigh Syndrome (mtDNA deletion); Leigh Disease; Subacute necrotizing encephalopathy; Necrotizing encephalopathy infantile subacute of Leigh. Identifiers: Orphanet 506, MedGen C2931891, MONDO:0009723, OMIM 256000.

Submission:

Wong Mito Lab, Molecular and Human Genetics, Baylor College of Medicine
Classification: Benign for Leigh syndrome. Last evaluated: 2019-10-17. Review status: criteria provided, single submitter. Criteria: Modified ACMG Guidelines (Unpublished). Collection method: clinical testing. Allele origin: germline.
Comment: The NC_012920.1:m.4079A>G (YP_003024026.1:p.Tyr258Cys) variant in MTND1 gene is interpretated to be a Benign variant based on the modified ACMG guidelines (unpublished). This variant meets the following evidence codes: BS1, BS2, BP4